The following is an entry in ClinVar:

NM_000530.8(MPZ):c.259C>T (p.Pro87Ser)

Gene: MPZ (myelin protein zero; minus strand). Cytogenetic location: 1q23.3.
Variant type: single nucleotide variant.
Coding change: c.259C>T on transcript NM_000530.8 (MANE Select); coding-DNA position 259, C replaced by T.
Protein change: p.Pro87Ser; replaces proline 87 with serine.
Molecular consequence: missense variant.
Genome position (GRCh38, 1-based): chr1:161,306,897, G>A on the plus strand (C>T on the coding strand, the complement: MPZ is on the minus strand). VCF-style: chr1-161306897-G-A. GRCh37 (hg19) VCF-style: chr1-161276687-G-A.
Other names: c.259C>T, p.Pro87Ser (NM_001315491.2); short protein forms P87S.
Identifiers: ClinVar variation 854652 (VCV000854652.10), dbSNP rs777338757, ClinGen allele CA1210190.
Genomic context (GRCh38, chr1:161,306,897, plus strand): 5'-AGCGAGGGTCCCCTACCCACTGGATGCGCTCTTTGAAGGTCCCCACCTCGTCAATGTAGG[G>A]TTGTCCCTTGGCATAGTGGAAGATCTATGAGGAATGAGGGGAAGCATGTGAGAGGACCCT-3'
Protein context (NP_000521.2, residues 77-97): ISIFHYAKGQ[Pro87Ser]YIDEVGTFKE

ClinVar aggregate classification (germline): Uncertain significance. Review status: criteria provided, multiple submitters, no conflicts (2 of 4 stars). 2 submissions from 2 submitters: Uncertain significance (2). Last evaluated 2025-10-23.

Conditions:
Charcot-Marie-Tooth disease, type I (CMT1). Also called: Charcot-Marie-Tooth, Type 1; Charcot-Marie-Tooth disease type 1. Identifiers: Orphanet 65753, MedGen C0751036, MONDO:0019011.

Allele frequency attached by ClinVar (database versions not stated): ExAC 0.00001; gnomAD exomes 0.00001.

Submissions (2):

Women's Health and Genetics/Laboratory Corporation of America, LabCorp
Classification: Uncertain significance. Last evaluated: 2025-10-23. Review status: criteria provided, single submitter. Criteria: LabCorp Variant Classification Summary - May 2015. Collection method: clinical testing. Allele origin: germline.
Comment: Variant summary: MPZ c.259C>T (p.Pro87Ser) results in a non-conservative amino acid change in the encoded protein sequence. Algorithms developed to predict the effect of missense changes on protein structure and function are either unavailable or do not agree on the potential impact of this missense change. The variant allele was found at a frequency of 8e-06 in 251484 control chromosomes. The available data on variant occurrences in the general population are insufficient to allow any conclusion about variant significance. To our knowledge, no occurrence of c.259C>T in individuals affected with MPZ-related conditions and no experimental evidence demonstrating its impact on protein function have been reported. ClinVar contains an entry for this variant (Variation ID: 854652). Based on the evidence outlined above, the variant was classified as uncertain significance.

Labcorp Genetics (formerly Invitae), Labcorp
Classification: Uncertain significance for Charcot-Marie-Tooth disease, type I. Last evaluated: 2023-09-28. Review status: criteria provided, single submitter. Criteria: Invitae Variant Classification Sherloc (09022015). Collection method: clinical testing. Allele origin: germline.
Comment: This sequence change replaces proline, which is neutral and non-polar, with serine, which is neutral and polar, at codon 87 of the MPZ protein (p.Pro87Ser). This variant is present in population databases (rs777338757, gnomAD 0.007%). This variant has not been reported in the literature in individuals affected with MPZ-related conditions. ClinVar contains an entry for this variant (Variation ID: 854652). Advanced modeling of protein sequence and biophysical properties (such as structural, functional, and spatial information, amino acid conservation, physicochemical variation, residue mobility, and thermodynamic stability) performed at Invitae indicates that this missense variant is not expected to disrupt MPZ protein function. In summary, the available evidence is currently insufficient to determine the role of this variant in disease. Therefore, it has been classified as a Variant of Uncertain Significance.